The following is an entry in ClinVar:

ClinVar aggregate classification (germline): Uncertain significance. Review status: criteria provided, multiple submitters, no conflicts (2 of 4 stars). 3 submissions from 3 submitters: Uncertain significance (3). Last evaluated 2026-07-29.

Conditions:
Cardiovascular phenotype. Identifiers: MedGen CN230736.

Allele frequency attached by ClinVar (database versions not stated): gnomAD 0.00001; ESP Exome Variant Server 0.00008; ExAC 0.00005; gnomAD exomes 0.00002 and 0.00003; TOPMed 0.00001.
gnomAD v4.1: 23 of 1,612,294 alleles (0.0014%); highest among the groups gnomAD compares: Non-Finnish European, 0.0019%; no homozygotes.

Submissions (3):

Ambry Genetics
Classification: Uncertain significance for Cardiovascular phenotype. Last evaluated: 2026-07-29. Review status: criteria provided, single submitter. Criteria: Ambry Variant Classification Scheme 2023. Collection method: clinical testing. Allele origin: germline.
Comment: The p.G128S variant (also known as c.382G>A), located in coding exon 1 of the LOX gene, results from a G to A substitution at nucleotide position 382. The glycine at codon 128 is replaced by serine, an amino acid with similar properties. This amino acid position is well conserved in available vertebrate species. In addition, this alteration is predicted to be tolerated by in silico analysis. Based on the available evidence, the clinical significance of this variant remains unclear.

Labcorp Genetics (formerly Invitae), Labcorp
Classification: Uncertain significance. Last evaluated: 2026-01-13. Review status: criteria provided, single submitter. Criteria: Invitae Variant Classification Sherloc (09022015). Collection method: clinical testing. Allele origin: germline.
Comment: This sequence change replaces glycine, which is neutral and non-polar, with serine, which is neutral and polar, at codon 128 of the LOX protein (p.Gly128Ser). This variant is present in population databases (rs372434500, gnomAD 0.006%). This variant has not been reported in the literature in individuals affected with LOX-related conditions. ClinVar contains an entry for this variant (Variation ID: 1327897). Invitae Evidence Modeling of protein sequence and biophysical properties (such as structural, functional, and spatial information, amino acid conservation, physicochemical variation, residue mobility, and thermodynamic stability) indicates that this missense variant is not expected to disrupt LOX protein function with a negative predictive value of 95%. In summary, the available evidence is currently insufficient to determine the role of this variant in disease. Therefore, it has been classified as a Variant of Uncertain Significance.

GeneDx
Classification: Uncertain significance. Last evaluated: 2025-03-11. Review status: criteria provided, single submitter. Criteria: GeneDx Variant Classification Process June 2021. Collection method: clinical testing. Allele origin: germline. Affected: yes.
Comment: Has not been previously published as pathogenic or benign to our knowledge; In silico analysis supports that this missense variant does not alter protein structure/function

NM_002317.7(LOX):c.382G>A (p.Gly128Ser)

Genes: SRFBP1 (serum response factor binding protein 1; plus strand), LOX (lysyl oxidase; minus strand). Cytogenetic location: 5q23.1.
Variant type: single nucleotide variant.
Coding change: c.382G>A on transcript NM_002317.7 (MANE Select); coding-DNA position 382, G replaced by A.
Protein change: p.Gly128Ser; replaces glycine 128 with serine.
Molecular consequence: missense variant.
Genome position (GRCh38, 1-based): chr5:122,077,604, C>T on the plus strand (G>A on the coding strand, the complement: LOX is on the minus strand). VCF-style: chr5-122077604-C-T. GRCh37 (hg19) VCF-style: chr5-121413299-C-T.
Other names: c.382G>A (NM_002317.5); short protein forms G128S.
Identifiers: ClinVar variation 1327897 (VCV001327897.9), dbSNP rs372434500, ClinGen allele CA3384049.
Genomic context (GRCh38, chr5:122,077,604, plus strand): 5'-GCGCTGTCTGGTTCTCCGCGCGCGAGGCGCCAGCTTCGCGGGCTCTAGATGTCGAGTAGC[C>T]AGCTTGGAACCAGTGACGGGCGGTGGGCCTGGGGCGGCCAGCGGTGACTCCAGATGAGCC-3'
Protein context (NP_002308.2, residues 118-138): RPTARHWFQA[Gly128Ser]YSTSRAREAG